The following is an entry in ClinVar:

ClinVar aggregate classification (germline): Uncertain significance. Review status: criteria provided, single submitter (1 of 4 stars). 2 submissions from 2 submitters: Uncertain significance (1). 1 of the submissions does not count toward it. Last evaluated 2020-03-16.

Conditions:
Glucose-6-phosphate transport defect (GSD1B). Also called: Glycogen Storage Disease Type Ib; GSD Ib. Identifiers: Orphanet 364, Orphanet 79259, MedGen C0268146, MONDO:0009288, OMIM 232220.

Submissions (2):

Labcorp Genetics (formerly Invitae), Labcorp
Classification: Uncertain significance for Glucose-6-phosphate transport defect. Last evaluated: 2020-03-16. Review status: criteria provided, single submitter. Criteria: Invitae Variant Classification Sherloc (09022015). Collection method: clinical testing. Allele origin: germline.
Comment: This sequence change replaces isoleucine with threonine at codon 187 of the SLC37A4 protein (p.Ile187Thr). The isoleucine residue is moderately conserved and there is a moderate physicochemical difference between isoleucine and threonine. This variant is not present in population databases (ExAC no frequency). This variant has not been reported in the literature in individuals with SLC37A4-related conditions. ClinVar contains an entry for this variant (Variation ID: 557414). Experimental studies and prediction algorithms are not available or were not evaluated, and the functional significance of this variant is currently unknown. In summary, the available evidence is currently insufficient to determine the role of this variant in disease. Therefore, it has been classified as a Variant of Uncertain Significance.

Counsyl
Classification: Uncertain significance for Glucose-6-phosphate transport defect. Last evaluated: 2018-03-30. Review status: no assertion criteria provided. Collection method: clinical testing. Allele origin: unknown. Not counted in ClinVar's aggregate classification.

NM_001164277.2(SLC37A4):c.560T>C (p.Ile187Thr)

Gene: SLC37A4 (solute carrier family 37 member 4; minus strand). Cytogenetic location: 11q23.3.
Variant type: single nucleotide variant.
Coding change: c.560T>C on transcript NM_001164277.2 (MANE Select); coding-DNA position 560, T replaced by C.
Protein change: p.Ile187Thr; replaces isoleucine 187 with threonine.
Molecular consequence: missense variant.
Genome position (GRCh38, 1-based): chr11:119,027,693, A>G on the plus strand (T>C on the coding strand, the complement: SLC37A4 is on the minus strand). VCF-style: chr11-119027693-A-G. GRCh37 (hg19) VCF-style: chr11-118898403-A-G.
Other names: c.560T>C, p.Ile187Thr (NM_001164278.2, NM_001164280.2, NM_001467.6); c.341T>C, p.Ile114Thr (NM_001164279.2); short protein forms I187T, I114T.
Identifiers: ClinVar variation 557414 (VCV000557414.9), dbSNP rs1452797070, ClinGen allele CA382902162.
Genomic context (GRCh38, chr11:119,027,693, plus strand): 5'-TTGCCCTCAGAGGGCATGGGGTCCAGGTTGCGGAGTCCAACATCAGCAGGTTCATTGTGG[A>G]TGAGCAGGAGACAGAGGAAGGAGACAACCACACCACAGTGCCCCAGATAGGGCCAGCGTG-3'
Protein context (NP_001157749.1, residues 177-197): VVVSFLCLLL[Ile187Thr]HNEPADVGLR